The following is an entry in ClinVar:

NM_001943.5(DSG2):c.1821T>C (p.Tyr607=)

Gene: DSG2 (desmoglein 2; plus strand). Cytogenetic location: 18q12.1.
Variant type: single nucleotide variant.
Coding change: c.1821T>C on transcript NM_001943.5 (MANE Select); coding-DNA position 1821, T replaced by C.
Protein change: p.Tyr607=; no amino-acid change (tyrosine 607 retained).
Molecular consequence: synonymous variant.
Genome position (GRCh38, 1-based): chr18:31,538,920, T>C. VCF-style: chr18-31538920-T-C. GRCh37 (hg19) VCF-style: chr18-29118883-T-C.
Identifiers: ClinVar variation 1088710 (VCV001088710.12), dbSNP rs1230368091, ClinGen allele CA503596801.

ClinVar aggregate classification (germline): Likely benign. Review status: criteria provided, multiple submitters, no conflicts (2 of 4 stars). 3 submissions from 3 submitters: Likely benign (3). Last evaluated 2024-11-27.

Conditions:
Arrhythmogenic right ventricular cardiomyopathy (ARVD). Also called: Cardiomyopathy, ARVC; Arrhythmogenic right ventricular dysplasia; Arrhythmogenic cardiomyopathy; Arrhythmogenic Right Ventricular Cardiomyopathy (ARVC). Identifiers: Orphanet 247, MedGen C0349788, MeSH D019571, MONDO:0016587. Disease mechanism: loss of function. Inheritance: Various modes of inheritance.
Cardiovascular phenotype. Identifiers: MedGen CN230736.
Arrhythmogenic right ventricular dysplasia 10. Also called: Arrhythmogenic Right Ventricular Dysplasia/Cardiomyopathy10; ARRHYTHMOGENIC RIGHT VENTRICULAR DYSPLASIA, FAMILIAL, 10; Arrhythmogenic right ventricular dysplasia/cardiomyopathy, type 10. Identifiers: MedGen C1857777, MONDO:0012434, OMIM 610193.

Allele frequency attached by ClinVar (database versions not stated): gnomAD exomes below 0.00001; gnomAD 0.00001; TOPMed 0.00001.
gnomAD v4.1: 3 of 1,614,072 alleles (0.00019%); highest among the groups gnomAD compares: African/African-American, 0.0027%; no homozygotes.

Submissions (3):

Labcorp Genetics (formerly Invitae), Labcorp
Classification: Likely benign for Arrhythmogenic right ventricular dysplasia 10. Last evaluated: 2024-11-27. Review status: criteria provided, single submitter. Criteria: Invitae Variant Classification Sherloc (09022015). Collection method: clinical testing. Allele origin: germline.

All of Us Research Program, National Institutes of Health
Classification: Likely benign for Arrhythmogenic right ventricular cardiomyopathy. Last evaluated: 2023-11-02. Review status: criteria provided, single submitter. Criteria: ACMG Guidelines, 2015. Collection method: clinical testing. Allele origin: germline. Inheritance: Autosomal dominant inheritance. Observed: 1 variant allele, 1 heterozygote.
Comment: This study involves interpretation of variants in research participants for the purpose of population health screening. Participant phenotype was not available at the time of variant classification. Additional details can be found in publication PMID: 35346344, PMCID: PMC8962531

Ambry Genetics
Classification: Likely benign for Cardiovascular phenotype. Last evaluated: 2021-05-10. Review status: criteria provided, single submitter. Criteria: Ambry Variant Classification Scheme 2023. Collection method: clinical testing. Allele origin: germline.